The following is an entry in ClinVar:

NM_002181.4(IHH):c.271T>C (p.Phe91Leu)

Gene: IHH (Indian hedgehog signaling molecule; minus strand). Cytogenetic location: 2q35.
Variant type: single nucleotide variant.
Coding change: c.271T>C on transcript NM_002181.4 (MANE Select); coding-DNA position 271, T replaced by C.
Protein change: p.Phe91Leu; replaces phenylalanine 91 with leucine.
Molecular consequence: missense variant.
Genome position (GRCh38, 1-based): chr2:219,060,197, A>G on the plus strand (T>C on the coding strand, the complement: IHH is on the minus strand). VCF-style: chr2-219060197-A-G. GRCh37 (hg19) VCF-style: chr2-219924919-A-G.
Other names: short protein forms F91L.
Identifiers: ClinVar variation 1224454 (VCV001224454.7), dbSNP rs2106310472, ClinGen allele CA350636752.

ClinVar aggregate classification (germline): Uncertain significance (1 of 4 stars; one submission).

Submission:

Labcorp Genetics (formerly Invitae), Labcorp
Classification: Uncertain significance. Last evaluated: 2021-11-25. Review status: criteria provided, single submitter. Criteria: Invitae Variant Classification Sherloc (09022015). Collection method: clinical testing. Allele origin: germline.
Comment: In summary, the available evidence is currently insufficient to determine the role of this variant in disease. Therefore, it has been classified as a Variant of Uncertain Significance. Algorithms developed to predict the effect of missense changes on protein structure and function are either unavailable or do not agree on the potential impact of this missense change (SIFT: "Tolerated"; PolyPhen-2: "Probably Damaging"; Align-GVGD: "Class C0"). ClinVar contains an entry for this variant (Variation ID: 1224454). This variant has not been reported in the literature in individuals affected with IHH-related conditions. This variant is not present in population databases (gnomAD no frequency). This sequence change replaces phenylalanine, which is neutral and non-polar, with leucine, which is neutral and non-polar, at codon 91 of the IHH protein (p.Phe91Leu).